The following is an entry in ClinVar:

ClinVar aggregate classification (germline): Uncertain significance (1 of 4 stars; one submission).

gnomAD v4.1: 4 of 1,613,982 alleles (0.00025%); highest among the groups gnomAD compares: Non-Finnish European, 0.00034%; no homozygotes.

Submission:

Ambry Genetics
Classification: Uncertain significance. Last evaluated: 2024-05-06. Review status: criteria provided, single submitter. Criteria: Ambry Variant Classification Scheme 2023. Collection method: clinical testing. Allele origin: germline.
Comment: The p.P910S variant (also known as c.2728C>T), located in coding exon 17 of the MYOM1 gene, results from a C to T substitution at nucleotide position 2728. The proline at codon 910 is replaced by serine, an amino acid with similar properties. This amino acid position is conserved. In addition, this alteration is predicted to be tolerated by in silico analysis. Based on the available evidence, the clinical significance of this variant remains unclear.

NM_003803.4(MYOM1):c.2728C>T (p.Pro910Ser)

Gene: MYOM1 (myomesin 1; minus strand). Cytogenetic location: 18p11.31.
Variant type: single nucleotide variant.
Coding change: c.2728C>T on transcript NM_003803.4 (MANE Select); coding-DNA position 2728, C replaced by T.
Protein change: p.Pro910Ser; replaces proline 910 with serine.
Molecular consequence: missense variant. On other transcripts: intron variant (1).
Genome position (GRCh38, 1-based): chr18:3,129,298, G>A on the plus strand (C>T on the coding strand, the complement: MYOM1 is on the minus strand). VCF-style: chr18-3129298-G-A. GRCh37 (hg19) VCF-style: chr18-3129296-G-A.
Other names: c.2506+2077C>T (NM_019856.2); short protein forms P910S.
Identifiers: ClinVar variation 3298033 (VCV003298033.1).
Genomic context (GRCh38, chr18:3,129,298, plus strand): 5'-CTGTCTTCTTTTTCAGGGGGTCAGACTTACTTTTCCCCTGAGGAGCCGCTTTCTGTGGTG[G>A]CGGGGTAAGCTCTTCCTGAACTGTTTCACTTACTTTACTCACTTCTGTTTGGCCCAGGTT-3'
Protein context (NP_003794.3, residues 900-920): SETVQEELTP[Pro910Ser]PQKAAPQGKS